The following is an entry in ClinVar:

ClinVar aggregate classification (germline): Uncertain significance. Review status: criteria provided, multiple submitters, no conflicts (2 of 4 stars). 3 submissions from 3 submitters: Uncertain significance (3). Last evaluated 2026-03-14.

Conditions:
Bardet-Biedl syndrome (BBS). Identifiers: Orphanet 110, MedGen C0752166, MONDO:0015229.
Early onset severe obesity. Identifiers: MedGen C4013980.
BBS9-related disorder. Also called: BBS9-related condition.

Allele frequency attached by ClinVar (database versions not stated): ExAC 0.00003; gnomAD exomes 0.00004.
gnomAD v4.1: 54 of 1,613,516 alleles (0.0033%); highest among the groups gnomAD compares: South Asian, 0.03%; 1 homozygote.

Submissions (3):

PreventionGenetics, part of Exact Sciences
Classification: Uncertain significance for BBS9-related condition. Last evaluated: 2026-03-14. Review status: criteria provided, single submitter. Criteria: ACMG Guidelines, 2015. Collection method: clinical testing. Allele origin: germline.
Comment: The BBS9 c.809G>C variant is predicted to result in the amino acid substitution p.Cys270Ser. To our knowledge, this variant has not been reported in the literature. This variant is reported in 0.016% of alleles in individuals of South Asian descent in gnomAD. At this time, the clinical significance of this variant is uncertain due to the absence of conclusive functional and genetic evidence.

Labcorp Genetics (formerly Invitae), Labcorp
Classification: Uncertain significance for Bardet-Biedl syndrome. Last evaluated: 2024-11-11. Review status: criteria provided, single submitter. Criteria: Invitae Variant Classification Sherloc (09022015). Collection method: clinical testing. Allele origin: germline.
Comment: This sequence change replaces cysteine, which is neutral and slightly polar, with serine, which is neutral and polar, at codon 270 of the BBS9 protein (p.Cys270Ser). This variant is present in population databases (rs763742314, gnomAD 0.02%). This variant has not been reported in the literature in individuals affected with BBS9-related conditions. ClinVar contains an entry for this variant (Variation ID: 1391684). Invitae Evidence Modeling of protein sequence and biophysical properties (such as structural, functional, and spatial information, amino acid conservation, physicochemical variation, residue mobility, and thermodynamic stability) indicates that this missense variant is expected to disrupt BBS9 protein function with a positive predictive value of 80%. In summary, the available evidence is currently insufficient to determine the role of this variant in disease. Therefore, it has been classified as a Variant of Uncertain Significance.

Cambridge Genomics Laboratory, East Genomic Laboratory Hub, NHS Genomic Medicine Service
Classification: Uncertain significance for Severe early-onset obesity. Last evaluated: 2024-07-11. Review status: criteria provided, single submitter. Criteria: ACGS Best Practice Guidelines for Variant Classification in Rare Disease 2020. Collection method: clinical testing. Allele origin: germline. Affected: yes.
Comment: The p.Cys270Ser variant is observed in 5/30.608 (0.0163%) alleles from individuals of gnomAD South Asian background in gnomAD All. The p.Cys270Ser variant is novel (not in any individuals) in 1kG All. The p.Cys270Ser variant is novel (not in any individuals) in gnomAD Genomes v3 All. (PM2 - Moderate) | The p.Cys270Ser missense variant is predicted to be damaging by both SIFT and PolyPhen2. The cysteine residue at codon 270 of BBS9 is conserved in all mammalian species. The nucleotide c.809 in BBS9 is predicted conserved by GERP++ and PhyloP across 100 vertebrates. (PP3 - Supporting) | The variant is observed in trans (in a compound heterozygous state) with another pathogenic variant. (PM3_Supporting - Supporting)

NM_198428.3(BBS9):c.809G>C (p.Cys270Ser)

Gene: BBS9 (Bardet-Biedl syndrome 9; plus strand). Cytogenetic location: 7p14.3.
Variant type: single nucleotide variant.
Coding change: c.809G>C on transcript NM_198428.3 (MANE Select); coding-DNA position 809, G replaced by C.
Protein change: p.Cys270Ser; replaces cysteine 270 with serine.
Molecular consequence: missense variant. On other transcripts: non-coding transcript variant (3).
Genome position (GRCh38, 1-based): chr7:33,273,118, G>C. VCF-style: chr7-33273118-G-C. GRCh37 (hg19) VCF-style: chr7-33312730-G-C.
Other names: c.809G>C (NM_198428.2); c.809G>C, p.Cys270Ser (NM_001033604.2, NM_001033605.2, NM_001348036.1 and 5 more transcripts); c.443G>C, p.Cys148Ser (NM_001348037.3, NM_001348044.3, NM_001348045.3 and 1 more transcripts); c.536G>C, p.Cys179Ser (NM_001348038.3, NM_001348039.3); c.674G>C, p.Cys225Ser (NM_001348042.3); short protein forms C148S, C179S, C270S, C225S.
Identifiers: ClinVar variation 1391684 (VCV001391684.8), dbSNP rs763742314, ClinGen allele CA4214114.